The following is an entry in ClinVar:

NM_014629.4(ARHGEF10):c.3973C>T (p.Pro1325Ser)

Gene: ARHGEF10 (Rho guanine nucleotide exchange factor 10; plus strand). Cytogenetic location: 8p23.3.
Variant type: single nucleotide variant.
Coding change: c.3973C>T on transcript NM_014629.4 (MANE Select); coding-DNA position 3973, C replaced by T.
Protein change: p.Pro1325Ser; replaces proline 1325 with serine.
Molecular consequence: missense variant.
Genome position (GRCh38, 1-based): chr8:1,957,201, C>T. VCF-style: chr8-1957201-C-T. GRCh37 (hg19) VCF-style: chr8-1905367-C-T.
Other names: c.3859C>T, p.Pro1287Ser (NM_001308152.2); c.3973C>T, p.Pro1325Ser (NM_001308153.3); short protein forms P1325S, P1349S, P1287S.
Identifiers: ClinVar variation 785239 (VCV000785239.10), dbSNP rs35095003, ClinGen allele CA4601547.

ClinVar aggregate classification (germline): Benign. Review status: criteria provided, multiple submitters, no conflicts (2 of 4 stars). 3 submissions from 3 submitters: Benign (3). Last evaluated 2026-01-13.

Conditions:
ARHGEF10-related disorder. Also called: ARHGEF10-related condition.

Allele frequency attached by ClinVar (database versions not stated): gnomAD exomes 0.00188; ExAC 0.00241; 1000 Genomes Project 0.00619; gnomAD 0.00656; 1000 Genomes Project 30x 0.00671; TOPMed 0.00821; ESP Exome Variant Server 0.00871.
gnomAD v4.1: 2,215 of 1,612,258 alleles (0.14%); highest among the groups gnomAD compares: African/African-American, 2.5%; 22 homozygotes.

Submissions (3):

Labcorp Genetics (formerly Invitae), Labcorp
Classification: Benign. Last evaluated: 2026-01-13. Review status: criteria provided, single submitter. Criteria: Invitae Variant Classification Sherloc (09022015). Collection method: clinical testing. Allele origin: germline.

PreventionGenetics, part of Exact Sciences
Classification: Benign for ARHGEF10-related condition. Last evaluated: 2025-12-29. Review status: criteria provided, single submitter. Criteria: ACMG Guidelines, 2015. Collection method: clinical testing. Allele origin: germline.
Comment: This variant is classified as benign based on ACMG/AMP sequence variant interpretation guidelines (Richards et al. 2015 PMID: 25741868, with internal and published modifications).

Breakthrough Genomics
Classification: Benign. Review status: criteria provided, single submitter. Criteria: ACMG Guidelines, 2015. Collection method: not provided. Allele origin: germline. Inheritance: Autosomal dominant inheritance. Affected: yes.